The following is an entry in ClinVar:

ClinVar aggregate classification (germline): Pathogenic (1 of 4 stars; one submission).

Conditions:
Hereditary spastic paraplegia 15 (SPG15). Also called: SPASTIC PARAPLEGIA 15, AUTOSOMAL RECESSIVE; KJELLIN SYNDROME; SPASTIC PARAPLEGIA AND RETINAL DEGENERATION. Identifiers: Orphanet 100996, MedGen C1849128, MONDO:0010044, OMIM 270700.

Submission:

Myriad Genetics, Inc.
Classification: Pathogenic for Hereditary spastic paraplegia 15. Last evaluated: 2024-02-18. Review status: criteria provided, single submitter. Criteria: Myriad Autosomal Dominant, Autosomal Recessive and X-Linked Classification Criteria (2023). Collection method: clinical testing. Allele origin: unknown.
Comment: NM_015346.3(ZFYVE26):c.4459delC(L1487Wfs*21) is expected to be pathogenic in the context of spastic paraplegia type 15. This variant is predicted to lead to an abnormal or absent protein product due to the creation of a premature termination codon in ZFYVE26, a gene where loss-of-function variants are known to be pathogenic. Please note: this variant was assessed in the context of healthy population screening.

NM_015346.4(ZFYVE26):c.4459del (p.Leu1487fs)

Gene: ZFYVE26 (zinc finger FYVE-type containing 26; minus strand). Cytogenetic location: 14q24.1.
Variant type: Deletion.
Coding change: c.4459del on transcript NM_015346.4 (MANE Select); coding-DNA position 4459, one base deleted (C; older notation c.4459delC).
Protein change: p.Leu1487fs; shifts the reading frame from leucine 1487.
Molecular consequence: frameshift variant.
Genome position (GRCh38, 1-based): chr14:67,781,443, G deleted on the plus strand (C on the coding strand, the reverse complement: ZFYVE26 is on the minus strand); the first of 4 consecutive G bases (chr14:67,781,443-67,781,446); deleting any one gives the same sequence. VCF-style (leftmost placement, unchanged base first): chr14-67781442-AG-A. GRCh37 (hg19) VCF-style: chr14-68248159-AG-A.
Other names: short protein forms L1487fs.
Identifiers: ClinVar variation 5012753 (VCV005012753.1).